The following is an entry in ClinVar:

NM_007294.4(BRCA1):c.1274C>A (p.Ser425Tyr)

Gene: BRCA1 (BRCA1 DNA repair associated; minus strand). Cytogenetic location: 17q21.31.
Variant type: single nucleotide variant.
Coding change: c.1274C>A on transcript NM_007294.4 (MANE Select); coding-DNA position 1274, C replaced by A.
Protein change: p.Ser425Tyr; replaces serine 425 with tyrosine.
Molecular consequence: missense variant. On other transcripts: intron variant (137).
Genome position (GRCh38, 1-based): chr17:43,094,257, G>T on the plus strand (C>A on the coding strand, the complement: BRCA1 is on the minus strand). VCF-style: chr17-43094257-G-T. GRCh37 (hg19) VCF-style: chr17-41246274-G-T.
Other names: c.893C>A, p.Ser298Tyr (NM_001407960.1, NM_001407963.1, NM_001407959.1); c.890C>A, p.Ser297Tyr (NM_001407962.1); c.1274C>A, p.Ser425Tyr (NM_001407596.1, NM_001407593.1, NM_001407597.1 and 30 more transcripts); c.1271C>A, p.Ser424Tyr (NM_001407591.1, NM_001407587.1, NM_001407590.1 and 22 more transcripts); c.1130C>A, p.Ser377Tyr (NM_001407964.1, NM_001407943.1, NM_001407740.1 and 20 more transcripts); c.770C>A, p.Ser257Tyr (NM_001407965.1); c.386C>A, p.Ser129Tyr (NM_001407966.1, NM_001407967.1); c.1151C>A, p.Ser384Tyr (NM_001407919.1, NM_001407937.1, NM_001407938.1 and 19 more transcripts); and 40 more; short protein forms S129Y, S257Y, S298Y, S336Y, S355Y, S337Y, S357Y, S398Y.
Identifiers: ClinVar variation 1766186 (VCV001766186.4), dbSNP rs1260879887, ClinGen allele CA10599508.

ClinVar aggregate classification (germline): Conflicting classifications of pathogenicity. Review status: criteria provided, conflicting classifications (1 of 4 stars). 2 submissions from 2 submitters: Uncertain significance (1); Likely benign (1). Last evaluated 2023-03-23.

Conditions:
Hereditary cancer-predisposing syndrome. Also called: Neoplastic Syndromes, Hereditary; Tumor predisposition; Hereditary Cancer Syndrome; Hereditary neoplastic syndrome. Identifiers: Orphanet 140162, MedGen C0027672, MeSH D009386, MONDO:0015356.

Submissions (2):

University of Washington Department of Laboratory Medicine, University of Washington
Classification: Likely benign for Hereditary cancer-predisposing syndrome. Last evaluated: 2023-03-23. Review status: criteria provided, single submitter. Criteria: Dines et al. (Genet Med. 2020). Collection method: curation. Allele origin: germline.
Comment: Missense variant in a coldspot region where missense variants are very unlikely to be pathogenic (PMID:31911673).

BRCA1 coldspot (exon 11 using historical exon numbering). Reclassification based on statistical prior probability

Ambry Genetics
Classification: Uncertain significance for Hereditary cancer-predisposing syndrome. Last evaluated: 2021-12-11. Review status: criteria provided, single submitter. Criteria: Ambry Variant Classification Scheme 2023. Collection method: clinical testing. Allele origin: germline.
Comment: The p.S425Y variant (also known as c.1274C>A), located in coding exon 9 of the BRCA1 gene, results from a C to A substitution at nucleotide position 1274. The serine at codon 425 is replaced by tyrosine, an amino acid with dissimilar properties. This amino acid position is conserved. In addition, this alteration is predicted to be deleterious by in silico analysis. Since supporting evidence is limited at this time, the clinical significance of this alteration remains unclear.